The following is an entry in ClinVar:

NM_000021.4(PSEN1):c.475T>C (p.Tyr159His)

Gene: PSEN1 (presenilin 1; plus strand). Cytogenetic location: 14q24.2.
Variant type: single nucleotide variant.
Coding change: c.475T>C on transcript NM_000021.4 (MANE Select); coding-DNA position 475, T replaced by C.
Protein change: p.Tyr159His; replaces tyrosine 159 with histidine.
Molecular consequence: missense variant.
Genome position (GRCh38, 1-based): chr14:73,173,702, T>C. VCF-style: chr14-73173702-T-C. GRCh37 (hg19) VCF-style: chr14-73640410-T-C.
Other names: c.463T>C, p.Tyr155His (NM_007318.3); short protein forms Y155H, Y159H.
Identifiers: ClinVar variation 861139 (VCV000861139.41), dbSNP rs1897961716, ClinGen allele CA390305134.

ClinVar aggregate classification (germline): Conflicting classifications of pathogenicity. Review status: criteria provided, conflicting classifications (1 of 4 stars). 2 submissions from 2 submitters: Likely pathogenic (1); Uncertain significance (1). Last evaluated 2022-12-01.

Conditions:
Acne inversa, familial, 3 (ACNINV3). Identifiers: MedGen C3151038, MONDO:0013398, OMIM 613737.
Frontotemporal dementia (FTD1). Also called: WILHELMSEN-LYNCH DISEASE; Frontotemporal lobe dementia (FLDEM); FRONTOTEMPORAL DEMENTIA WITH PARKINSONISM; FRONTOTEMPORAL LOBE DEMENTIA; MULTIPLE SYSTEM TAUOPATHY WITH PRESENILE DEMENTIA; FRONTOTEMPORAL LOBAR DEGENERATION WITH TAU INCLUSIONS. Identifiers: Orphanet 282, MedGen C0338451, MONDO:0017276, OMIM 600274, HP:0002145.
Pick disease. Also called: Pick's disease; PICK DISEASE OF BRAIN; Pick Disease of the Brain; DEMENTIA WITH LOBAR ATROPHY AND NEURONAL CYTOPLASMIC INCLUSIONS; LOBAR ATROPHY OF BRAIN. Identifiers: Orphanet 282, MedGen C0236642, MONDO:0008243, OMIM 172700.
Alzheimer disease 3 (AD3). Also called: ALZHEIMER DISEASE, FAMILIAL, 3. Identifiers: Orphanet 1020, MedGen C1843013, MONDO:0011913, OMIM 607822.

Submissions (2):

CeGaT Center for Human Genetics Tuebingen
Classification: Likely pathogenic. Last evaluated: 2022-12-01. Review status: criteria provided, single submitter. Criteria: CeGaT Center For Human Genetics Tuebingen Variant Classification Criteria Version 2. Collection method: clinical testing. Allele origin: germline. Affected: yes. Observed: 1 variant allele.
Comment: PSEN1: PM1, PM2, PM5:Supporting, PP2

Labcorp Genetics (formerly Invitae), Labcorp
Classification: Uncertain significance for Alzheimer disease 3; Pick disease; Acne inversa, familial, 3; Frontotemporal dementia. Last evaluated: 2019-12-21. Review status: criteria provided, single submitter. Criteria: Invitae Variant Classification Sherloc (09022015). Collection method: clinical testing. Allele origin: germline.
Comment: In summary, the available evidence is currently insufficient to determine the role of this variant in disease. Therefore, it has been classified as a Variant of Uncertain Significance. Algorithms developed to predict the effect of missense changes on protein structure and function (SIFT, PolyPhen-2, Align-GVGD) all suggest that this variant is likely to be disruptive, but these predictions have not been confirmed by published functional studies and their clinical significance is uncertain. This variant has not been reported in the literature in individuals with PSEN1-related conditions. This variant is not present in population databases (ExAC no frequency). This sequence change replaces tyrosine with histidine at codon 159 of the PSEN1 protein (p.Tyr159His). The tyrosine residue is highly conserved and there is a moderate physicochemical difference between tyrosine and histidine.